The following is an entry in ClinVar:

ClinVar aggregate classification (germline): Conflicting classifications of pathogenicity. Review status: criteria provided, conflicting classifications (1 of 4 stars). 4 submissions from 4 submitters: Uncertain significance (1); Benign (1); Likely benign (2). Last evaluated 2024-10-15.

Conditions:
Hereditary cancer-predisposing syndrome. Also called: Tumor predisposition; Hereditary neoplastic syndrome; Neoplastic Syndromes, Hereditary; Hereditary Cancer Syndrome. Identifiers: Orphanet 140162, MedGen C0027672, MeSH D009386, MONDO:0015356.
Familial adenomatous polyposis 1 (FAP1). Also called: POLYPOSIS, ADENOMATOUS INTESTINAL; FAMILIAL ADENOMATOUS POLYPOSIS 1, ATTENUATED. Identifiers: MedGen C2713442, MONDO:0021056, OMIM 175100. Disease mechanism: loss of function.

Allele frequency attached by ClinVar (database versions not stated): gnomAD exomes below 0.00001; ExAC 0.00001.

Submissions (4):

Labcorp Genetics (formerly Invitae), Labcorp
Classification: Likely benign for Familial adenomatous polyposis 1. Last evaluated: 2024-10-15. Review status: criteria provided, single submitter. Criteria: Invitae Variant Classification Sherloc (09022015). Collection method: clinical testing. Allele origin: germline.

Myriad Genetics, Inc.
Classification: Benign for Familial adenomatous polyposis 1. Last evaluated: 2024-03-01. Review status: criteria provided, single submitter. Criteria: Myriad Autosomal Dominant, Autosomal Recessive and X-Linked Classification Criteria (2023). Collection method: clinical testing. Allele origin: unknown.
Comment: This variant is considered benign. This variant is a silent/synonymous amino acid change and it is not expected to impact splicing.

Institute for Biomarker Research, Medical Diagnostic Laboratories, L.L.C.
Classification: Uncertain significance for Hereditary cancer-predisposing syndrome. Last evaluated: 2022-05-11. Review status: criteria provided, single submitter. Criteria: ACMG Guidelines, 2015. Collection method: clinical testing. Allele origin: germline.

Ambry Genetics
Classification: Likely benign for Hereditary cancer-predisposing syndrome. Last evaluated: 2022-02-03. Review status: criteria provided, single submitter. Criteria: Ambry Variant Classification Scheme 2023. Collection method: clinical testing. Allele origin: germline.

NM_000038.6(APC):c.1338C>A (p.Ile446=)

Gene: APC (APC regulator of Wnt signaling pathway; plus strand). Cytogenetic location: 5q22.2.
Variant type: single nucleotide variant.
Coding change: c.1338C>A on transcript NM_000038.6 (MANE Select); coding-DNA position 1338, C replaced by A.
Protein change: p.Ile446=; no amino-acid change (isoleucine 446 retained).
Molecular consequence: synonymous variant.
Genome position (GRCh38, 1-based): chr5:112,821,921, C>A. VCF-style: chr5-112821921-C-A. GRCh37 (hg19) VCF-style: chr5-112157618-C-A.
Other names: c.1338C>A, p.Ile446= (NM_001127510.3, NM_001354895.2, NM_001354896.2); c.1284C>A, p.Ile428= (NM_001127511.3); c.1368C>A, p.Ile456= (NM_001354897.2); c.1263C>A, p.Ile421= (NM_001354898.2); c.1254C>A, p.Ile418= (NM_001354899.2); c.1161C>A, p.Ile387= (NM_001354900.2, NM_001354901.2); c.1065C>A, p.Ile355= (NM_001354902.2); c.1035C>A, p.Ile345= (NM_001354903.2); and 3 more.
Identifiers: ClinVar variation 1662484 (VCV001662484.11), dbSNP rs759703047, ClinGen allele CA027198.